The following is an entry in ClinVar:

ClinVar aggregate classification (germline): Conflicting classifications of pathogenicity. Review status: criteria provided, conflicting classifications (1 of 4 stars). 2 submissions from 2 submitters: Uncertain significance (1); Likely benign (1). Last evaluated 2024-11-19.

Allele frequency attached by ClinVar (database versions not stated): gnomAD 0.00001; gnomAD exomes 0.00001 and 0.00002; ExAC 0.00002; TOPMed 0.00002.
gnomAD v4.1: 33 of 1,613,810 alleles (0.002%); highest among the groups gnomAD compares: Non-Finnish European, 0.0027%; no homozygotes.

Submissions (2):

Labcorp Genetics (formerly Invitae), Labcorp
Classification: Uncertain significance. Last evaluated: 2024-11-19. Review status: criteria provided, single submitter. Criteria: Invitae Variant Classification Sherloc (09022015). Collection method: clinical testing. Allele origin: germline.
Comment: This sequence change replaces asparagine, which is neutral and polar, with threonine, which is neutral and polar, at codon 387 of the PLAA protein (p.Asn387Thr). This variant is present in population databases (rs760606980, gnomAD 0.002%). This variant has not been reported in the literature in individuals affected with PLAA-related conditions. ClinVar contains an entry for this variant (Variation ID: 1435325). Invitae Evidence Modeling of protein sequence and biophysical properties (such as structural, functional, and spatial information, amino acid conservation, physicochemical variation, residue mobility, and thermodynamic stability) indicates that this missense variant is not expected to disrupt PLAA protein function with a negative predictive value of 80%. In summary, the available evidence is currently insufficient to determine the role of this variant in disease. Therefore, it has been classified as a Variant of Uncertain Significance.

Blueprint Genetics
Classification: Likely benign. Last evaluated: 2024-05-23. Review status: criteria provided, single submitter. Criteria: ACMG Guidelines, 2015. Collection method: clinical testing. Allele origin: germline.

NM_001031689.3(PLAA):c.1160A>C (p.Asn387Thr)

Gene: PLAA (phospholipase A2 activating protein; minus strand). Cytogenetic location: 9p21.2.
Variant type: single nucleotide variant.
Coding change: c.1160A>C on transcript NM_001031689.3 (MANE Select); coding-DNA position 1160, A replaced by C.
Protein change: p.Asn387Thr; replaces asparagine 387 with threonine.
Molecular consequence: missense variant.
Genome position (GRCh38, 1-based): chr9:26,920,264, T>G on the plus strand (A>C on the coding strand, the complement: PLAA is on the minus strand). VCF-style: chr9-26920264-T-G. GRCh37 (hg19) VCF-style: chr9-26920262-T-G.
Other names: c.1160A>C, p.Asn387Thr (NM_001321546.2); short protein forms N387T.
Identifiers: ClinVar variation 1435325 (VCV001435325.5), dbSNP rs760606980, ClinGen allele CA5014454.